The following is an entry in ClinVar:

ClinVar aggregate classification (germline): Conflicting classifications of pathogenicity. Review status: criteria provided, conflicting classifications (1 of 4 stars). 2 submissions from 2 submitters: Uncertain significance (1); Likely benign (1). Last evaluated 2024-06-07.

Submissions (2):

GeneDx
Classification: Uncertain significance. Last evaluated: 2024-06-07. Review status: criteria provided, single submitter. Criteria: GeneDx Variant Classification Process June 2021. Collection method: clinical testing. Allele origin: germline. Affected: yes.
Comment: Not observed at significant frequency in large population cohorts (gnomAD); In silico analysis indicates that this variant does not alter splicing; Has not been previously published as pathogenic or benign to our knowledge

Labcorp Genetics (formerly Invitae), Labcorp
Classification: Likely benign. Last evaluated: 2022-11-20. Review status: criteria provided, single submitter. Criteria: Invitae Variant Classification Sherloc (09022015). Collection method: clinical testing. Allele origin: germline.

NM_001844.5(COL2A1):c.1095T>G (p.Pro365=)

Gene: COL2A1 (collagen type II alpha 1 chain; minus strand). Cytogenetic location: 12q13.11.
Variant type: single nucleotide variant.
Coding change: c.1095T>G on transcript NM_001844.5 (MANE Select); coding-DNA position 1095, T replaced by G.
Protein change: p.Pro365=; no amino-acid change (proline 365 retained).
Molecular consequence: synonymous variant.
Genome position (GRCh38, 1-based): chr12:47,989,255, A>C on the plus strand (T>G on the coding strand, the complement: COL2A1 is on the minus strand). VCF-style: chr12-47989255-A-C. GRCh37 (hg19) VCF-style: chr12-48383038-A-C.
Other names: c.888T>G, p.Pro296= (NM_033150.3); c.1095T>G (NM_001844.4).
Identifiers: ClinVar variation 2995893 (VCV002995893.4), dbSNP rs2136587657, ClinGen allele CA479476421.
Genomic context (GRCh38, chr12:47,989,255, plus strand): 5'-CAGAAGTTCCTGACTGGACAACAGGGCACGTACCTTGGCTCCAGGAGCACCAGGGAAGCC[A>C]GGACCACCAGCAGGACCGACAGGACCCTGGAGAGAGTAGGCGGATGAGAAGAGAGGTGAA-3'
Protein context (NP_001835.3, residues 355-375): PPGPVGPAGG[Pro365=]GFPGAPGAKG